The following is an entry in ClinVar:

NM_025099.6(CTC1):c.1927A>G (p.Ser643Gly)

Gene: CTC1 (CST telomere replication complex component 1; minus strand). Cytogenetic location: 17p13.1.
Variant type: single nucleotide variant.
Coding change: c.1927A>G on transcript NM_025099.6 (MANE Select); coding-DNA position 1927, A replaced by G.
Protein change: p.Ser643Gly; replaces serine 643 with glycine.
Molecular consequence: missense variant. On other transcripts: non-coding transcript variant (1).
Genome position (GRCh38, 1-based): chr17:8,232,924, T>C on the plus strand (A>G on the coding strand, the complement: CTC1 is on the minus strand). VCF-style: chr17-8232924-T-C. GRCh37 (hg19) VCF-style: chr17-8136242-T-C.
Other names: c.1927A>G, p.Ser643Gly (NM_001411067.1); short protein forms S643G.
Identifiers: ClinVar variation 3702680 (VCV003702680.2).

ClinVar aggregate classification (germline): Uncertain significance (1 of 4 stars; one submission).

Conditions:
Dyskeratosis congenita. Identifiers: Orphanet 1775, MedGen C0265965, MONDO:0015780.

gnomAD v4.1: 1 of 1,614,048 alleles (0.000062%); highest among the groups gnomAD compares: Admixed American, 0.0017%; no homozygotes.

Submission:

Labcorp Genetics (formerly Invitae), Labcorp
Classification: Uncertain significance for Dyskeratosis congenita. Last evaluated: 2024-07-15. Review status: criteria provided, single submitter. Criteria: Invitae Variant Classification Sherloc (09022015). Collection method: clinical testing. Allele origin: germline.
Comment: This sequence change replaces serine, which is neutral and polar, with glycine, which is neutral and non-polar, at codon 643 of the CTC1 protein (p.Ser643Gly). This variant is not present in population databases (gnomAD no frequency). This variant has not been reported in the literature in individuals affected with CTC1-related conditions. Advanced modeling of protein sequence and biophysical properties (such as structural, functional, and spatial information, amino acid conservation, physicochemical variation, residue mobility, and thermodynamic stability) performed at Invitae indicates that this missense variant is not expected to disrupt CTC1 protein function with a negative predictive value of 80%. In summary, the available evidence is currently insufficient to determine the role of this variant in disease. Therefore, it has been classified as a Variant of Uncertain Significance.